The following is an entry in ClinVar:

ClinVar aggregate classification (germline): Uncertain significance. Review status: criteria provided, multiple submitters, no conflicts (2 of 4 stars). 2 submissions from 2 submitters: Uncertain significance (2). Last evaluated 2021-11-17.

Conditions:
Autosomal recessive limb-girdle muscular dystrophy type 2J (LGMDR10). Also called: MUSCULAR DYSTROPHY, LIMB-GIRDLE, AUTOSOMAL RECESSIVE 10; Limb-girdle muscular dystrophy, type 2J. Identifiers: Orphanet 140922, MedGen C1837342, MONDO:0012127, OMIM 608807.
Tibial muscular dystrophy (TMD). Also called: Udd Distal Myopathy – Tibial Muscular Dystrophy; UDD MYOPATHY; Tibial muscular dystrophy, tardive. Identifiers: Orphanet 609, MedGen C1838244, MONDO:0010870, OMIM 600334.
Dilated cardiomyopathy 1G (CMD1G). Identifiers: Orphanet 154, MedGen C1858763, MONDO:0011400, OMIM 604145.
Early-onset myopathy with fatal cardiomyopathy (CMYO5). Also called: CONGENITAL MYOPATHY 5 WITH CARDIOMYOPATHY; Salih Myopathy. Identifiers: Orphanet 289377, MedGen C2673677, MONDO:0012714, OMIM 611705. Disease mechanism: loss of function.
Myopathy, myofibrillar, 9, with early respiratory failure (MFM9). Also called: EDSTROM MYOPATHY; MYOPATHY, PROXIMAL, WITH EARLY RESPIRATORY MUSCLE INVOLVEMENT; Hereditary myopathy with early respiratory failure; Myopathy, distal, with early respiratory failure, autosomal dominant. Identifiers: Orphanet 178464, Orphanet 34521, MedGen C1863599, MONDO:0011362, OMIM 603689.
Hypertrophic cardiomyopathy 9. Also called: Familial hypertrophic cardiomyopathy 9. Identifiers: MedGen C1861065, MONDO:0013412, OMIM 613765.
Primary dilated cardiomyopathy (DCM). Also called: Dilated Cardiomyopathy. Identifiers: Orphanet 217604, MedGen C0007193, MeSH D002311, MONDO:0005021, HP:0001644. Inheritance: Various modes of inheritance.

Allele frequency attached by ClinVar (database versions not stated): gnomAD exomes below 0.00001; ExAC 0.00001; gnomAD 0.00001; TOPMed 0.00002; ESP Exome Variant Server 0.00008.
gnomAD v4.1: 3 of 1,612,554 alleles (0.00019%); highest among the groups gnomAD compares: Non-Finnish European, 0.00025%; no homozygotes.

Submissions (2):

Fulgent Genetics
Classification: Uncertain significance for Tibial muscular dystrophy; Myopathy, myofibrillar, 9, with early respiratory failure; Dilated cardiomyopathy 1G; Autosomal recessive limb-girdle muscular dystrophy type 2J; Early-onset myopathy with fatal cardiomyopathy; Hypertrophic cardiomyopathy 9. Last evaluated: 2021-11-17. Review status: criteria provided, single submitter. Criteria: ACMG Guidelines, 2015. Collection method: clinical testing. Allele origin: unknown.

Cardiovascular Biomedical Research Unit, Royal Brompton & Harefield NHS Foundation Trust
Classification: Uncertain significance for Primary dilated cardiomyopathy. Last evaluated: 2014-10-08. Review status: criteria provided, single submitter. Criteria: Roberts et al. 2015. Collection method: research. Allele origin: germline. Inheritance: Autosomal dominant inheritance. Affected: no. Observed: 1 variant allele. Study: FHS cohort.
Comment: It affects only the Novex-3 isoform, which does not span the sarcomere and has not been implicated in DCM. In the seven cohorts assessed, TTNtv were found in 14% of ambulant DCM, 22% end-stage or familial DCM, and 2% controls. Heterozygous nonsense, frameshift and canonical splice-disrupting variants found in constitutive and other highly utilised exons are highly likely to be pathogenic when identified in individuals with phenotypically confirmed DCM. TTNtv found incidentally in healthy individuals (excluding familial assessment of DCM relatives) are thought to have low penetrance, particularly when identified in exons that are not constitutively expressed in the heart.

NM_133379.5(TTN):c.13705G>T (p.Glu4569Ter)

Gene: TTN (titin; minus strand). Cytogenetic location: 2q31.2.
Variant type: single nucleotide variant.
Coding change: c.13705G>T on transcript NM_133379.5; coding-DNA position 13705, G replaced by T.
Protein change: p.Glu4569Ter; replaces glutamic acid 4569 with a stop codon.
Molecular consequence: nonsense. On other transcripts: intron variant (6).
Genome position (GRCh38, 1-based): chr2:178,748,695, C>A on the plus strand (G>T on the coding strand, the complement: TTN is on the minus strand). VCF-style: chr2-178748695-C-A. GRCh37 (hg19) VCF-style: chr2-179613422-C-A.
Other names: c.13705G>T (LRG_391t2); c.10222+4429G>T (NM_003319.4); c.10798+4429G>T (NM_133437.4); c.10597+4429G>T (NM_133432.3); c.10360+4429G>T (NM_133378.4, NM_001256850.1); c.11311+4429G>T (NM_001267550.2); short protein forms E4569*.
Identifiers: ClinVar variation 223264 (VCV000223264.2), dbSNP rs372994805, ClinGen allele CA128965.